The following is an entry in ClinVar:

NM_001363711.2(DUOX2):c.301C>T (p.Arg101Cys)

Gene: DUOX2 (dual oxidase 2; minus strand). Cytogenetic location: 15q21.1.
Variant type: single nucleotide variant.
Coding change: c.301C>T on transcript NM_001363711.2 (MANE Select); coding-DNA position 301, C replaced by T.
Protein change: p.Arg101Cys; replaces arginine 101 with cysteine.
Molecular consequence: missense variant.
Genome position (GRCh38, 1-based): chr15:45,112,578, G>A on the plus strand (C>T on the coding strand, the complement: DUOX2 is on the minus strand). VCF-style: chr15-45112578-G-A. GRCh37 (hg19) VCF-style: chr15-45404776-G-A.
Other names: c.301C>T, p.Arg101Cys (NM_014080.5); short protein forms R101C.
Identifiers: ClinVar variation 3375699 (VCV003375699.1).

ClinVar aggregate classification (germline): Uncertain significance (1 of 4 stars; one submission).

gnomAD v4.1: 1 of 1,613,136 alleles (0.000062%); highest among the groups gnomAD compares: Non-Finnish European, 0.000085%; no homozygotes.

Submission:

GeneDx
Classification: Uncertain significance. Last evaluated: 2024-05-10. Review status: criteria provided, single submitter. Criteria: GeneDx Variant Classification Process June 2021. Collection method: clinical testing. Allele origin: germline. Affected: yes.
Comment: In silico analysis supports that this missense variant has a deleterious effect on protein structure/function; Has not been previously published as pathogenic or benign to our knowledge